The following is an entry in ClinVar:

ClinVar aggregate classification (germline): Uncertain significance (1 of 4 stars; one submission).

Conditions:
Distal hereditary motor neuropathy type 2. Identifiers: Orphanet 139525, MedGen C3711384, MeSH C580044, MONDO:0015352.

Submission:

Labcorp Genetics (formerly Invitae), Labcorp
Classification: Uncertain significance for Distal hereditary motor neuropathy type 2. Last evaluated: 2022-07-15. Review status: criteria provided, single submitter. Criteria: Invitae Variant Classification Sherloc (09022015). Collection method: clinical testing. Allele origin: germline.
Comment: This sequence change falls in intron 20 of the FBXO38 gene. It does not directly change the encoded amino acid sequence of the FBXO38 protein. It affects a nucleotide within the consensus splice site. This variant is not present in population databases (gnomAD no frequency). This variant has not been reported in the literature in individuals affected with FBXO38-related conditions. Variants that disrupt the consensus splice site are a relatively common cause of aberrant splicing (PMID: 17576681, 9536098). Algorithms developed to predict the effect of sequence changes on RNA splicing suggest that this variant is not likely to affect RNA splicing. In summary, the available evidence is currently insufficient to determine the role of this variant in disease. Therefore, it has been classified as a Variant of Uncertain Significance.

Literature cited by the submitters: PubMed 17576681; PubMed 9536098.

NM_205836.3(FBXO38):c.3274+4A>T

Gene: FBXO38 (F-box protein 38; plus strand). Cytogenetic location: 5q32.
Variant type: single nucleotide variant.
Coding change: c.3274+4A>T on transcript NM_205836.3 (MANE Select); 4 bases into the intron after coding-DNA position 3274, A replaced by T.
Molecular consequence: intron variant.
Genome position (GRCh38, 1-based): chr5:148,440,531, A>T. VCF-style: chr5-148440531-A-T. GRCh37 (hg19) VCF-style: chr5-147820094-A-T.
Other names: c.3049+4A>T (NM_030793.5); c.2539+4A>T (NM_001271723.2).
Identifiers: ClinVar variation 2017458 (VCV002017458.4), dbSNP rs1483446342, ClinGen allele CA2580073043.